The following is an entry in ClinVar:

ClinVar aggregate classification (germline): Uncertain significance (1 of 4 stars; one submission).

Conditions:
Hereditary cancer-predisposing syndrome. Also called: Neoplastic Syndromes, Hereditary; Tumor predisposition; Hereditary neoplastic syndrome; Hereditary Cancer Syndrome. Identifiers: Orphanet 140162, MedGen C0027672, MeSH D009386, MONDO:0015356.

Submission:

Ambry Genetics
Classification: Uncertain significance for Hereditary cancer-predisposing syndrome. Last evaluated: 2026-06-29. Review status: criteria provided, single submitter. Criteria: Ambry Variant Classification Scheme 2023. Collection method: clinical testing. Allele origin: germline.
Comment: The p.I2752S variant (also known as c.8255T>G), located in coding exon 55 of the ATM gene, results from a T to G substitution at nucleotide position 8255. The isoleucine at codon 2752 is replaced by serine, an amino acid with dissimilar properties. In an assay testing ATM function, this variant showed a functionally normal result (Lee KS et al. Cell, 2025 Sep;188:5081-5099.e27). This amino acid position is highly conserved in available vertebrate species. In addition, this alteration is predicted to be deleterious by in silico analysis. Based on the available evidence, the clinical significance of this variant remains unclear.

Literature cited by the submitters: PubMed 40580951.

NM_000051.4(ATM):c.8255T>G (p.Ile2752Ser)

Genes: C11orf65 (chromosome 11 open reading frame 65; minus strand), ATM (ATM serine/threonine kinase; plus strand). Cytogenetic location: 11q22.3.
Variant type: single nucleotide variant.
Coding change: c.8255T>G on transcript NM_000051.4 (MANE Select); coding-DNA position 8255, T replaced by G.
Protein change: p.Ile2752Ser; replaces isoleucine 2752 with serine.
Molecular consequence: missense variant. On other transcripts: intron variant (2).
Genome position (GRCh38, 1-based): chr11:108,335,948, T>G. VCF-style: chr11-108335948-T-G. GRCh37 (hg19) VCF-style: chr11-108206675-T-G.
Other names: c.8255T>G, p.Ile2752Ser (NM_001351834.2); c.641-26877A>C (NM_001330368.2); c.695-656A>C (NM_001351110.2); short protein forms I2752S.
Identifiers: ClinVar variation 5031398 (VCV005031398.1).